The following is an entry in ClinVar:

ClinVar aggregate classification (germline): Uncertain significance (1 of 4 stars; one submission).

Submission:

Labcorp Genetics (formerly Invitae), Labcorp
Classification: Uncertain significance. Last evaluated: 2024-05-14. Review status: criteria provided, single submitter. Criteria: Invitae Variant Classification Sherloc (09022015). Collection method: clinical testing. Allele origin: germline.
Comment: This sequence change replaces threonine, which is neutral and polar, with proline, which is neutral and non-polar, at codon 214 of the THPO protein (p.Thr214Pro). This variant is not present in population databases (gnomAD no frequency). This variant has not been reported in the literature in individuals affected with THPO-related conditions. Algorithms developed to predict the effect of missense changes on protein structure and function output the following: SIFT: "Not Available"; PolyPhen-2: "Benign"; Align-GVGD: "Not Available". The proline amino acid residue is found in multiple mammalian species, which suggests that this missense change does not adversely affect protein function. In summary, the available evidence is currently insufficient to determine the role of this variant in disease. Therefore, it has been classified as a Variant of Uncertain Significance.

NM_000460.4(THPO):c.640A>C (p.Thr214Pro)

Gene: THPO (thrombopoietin; minus strand). Cytogenetic location: 3q27.1.
Variant type: single nucleotide variant.
Coding change: c.640A>C on transcript NM_000460.4 (MANE Select); coding-DNA position 640, A replaced by C.
Protein change: p.Thr214Pro; replaces threonine 214 with proline.
Molecular consequence: missense variant.
Genome position (GRCh38, 1-based): chr3:184,372,935, T>G on the plus strand (A>C on the coding strand, the complement: THPO is on the minus strand). VCF-style: chr3-184372935-T-G. GRCh37 (hg19) VCF-style: chr3-184090723-T-G.
Other names: c.628A>C, p.Thr210Pro (NM_001177597.2, NM_001290022.1); c.623A>C, p.Tyr208Ser (NM_001177598.2, NM_001290026.1); c.524A>C, p.Tyr175Ser (NM_001289997.1, NM_001290027.1); c.640A>C, p.Thr214Pro (NM_001289998.1, NM_001290028.1); c.1060A>C, p.Thr354Pro (NM_001290003.1); short protein forms T214P, T210P, T354P, Y175S, Y208S.
Identifiers: ClinVar variation 3653401 (VCV003653401.2).
Genomic context (GRCh38, chr3:184,372,935, plus strand): 5'-TCAGCAGACCAGGAATCTTGGCTCTGAATCCCTGCTGCCACTTCAGAAGCCCAGAGCCAG[T>G]AGTTCTGGCTGAGGCAGTGAAGTTTGTCTCCAACAATCCAGAAGTCCTGTTTGGGAGCTC-3'
Protein context (NP_000451.1, residues 204-224): ETNFTASART[Thr214Pro]GSGLLKWQQG